The following is an entry in ClinVar:

ClinVar aggregate classification (germline): Uncertain significance (1 of 4 stars; one submission).

Conditions:
Inborn genetic diseases. Identifiers: MedGen C0950123, MeSH D030342.

Allele frequency attached by ClinVar (database versions not stated): gnomAD exomes 0.00001.

Submission:

Ambry Genetics
Classification: Uncertain significance for Inborn genetic diseases. Last evaluated: 2018-04-18. Review status: criteria provided, single submitter. Criteria: Ambry Variant Classification Scheme 2023. Collection method: clinical testing. Allele origin: germline.
Comment: The p.S272G variant (also known as c.814A>G), located in coding exon 1 of the KCNJ10 gene, results from an A to G substitution at nucleotide position 814. The serine at codon 272 is replaced by glycine, an amino acid with similar properties. This amino acid position is well conserved in available vertebrate species; however, glycine is the reference amino acid in other vertebrate species. In addition, this alteration is predicted to be tolerated by in silico analysis. Since supporting evidence is limited at this time, the clinical significance of this alteration remains unclear.

NM_002241.5(KCNJ10):c.814A>G (p.Ser272Gly)

Gene: KCNJ10 (potassium inwardly rectifying channel subfamily J member 10; minus strand). Cytogenetic location: 1q23.2.
Variant type: single nucleotide variant.
Coding change: c.814A>G on transcript NM_002241.5 (MANE Select); coding-DNA position 814, A replaced by G.
Protein change: p.Ser272Gly; replaces serine 272 with glycine.
Molecular consequence: missense variant.
Genome position (GRCh38, 1-based): chr1:160,041,719, T>C on the plus strand (A>G on the coding strand, the complement: KCNJ10 is on the minus strand). VCF-style: chr1-160041719-T-C. GRCh37 (hg19) VCF-style: chr1-160011509-T-C.
Other names: short protein forms S272G.
Identifiers: ClinVar variation 1762179 (VCV001762179.2), dbSNP rs2525429586, ClinGen allele CA343224805.